The following is an entry in ClinVar:

NM_006206.6(PDGFRA):c.2919C>T (p.Asp973=)

Gene: PDGFRA (platelet derived growth factor receptor alpha; plus strand). Cytogenetic location: 4q12.
Variant type: single nucleotide variant.
Coding change: c.2919C>T on transcript NM_006206.6 (MANE Select); coding-DNA position 2919, C replaced by T.
Protein change: p.Asp973=; no amino-acid change (aspartic acid 973 retained).
Molecular consequence: synonymous variant.
Genome position (GRCh38, 1-based): chr4:54,290,351, C>T. VCF-style: chr4-54290351-C-T. GRCh37 (hg19) VCF-style: chr4-55156518-C-T.
Other names: c.2994C>T, p.Asp998= (NM_001347828.2); c.2919C>T, p.Asp973= (NM_001347829.2); c.2958C>T, p.Asp986= (NM_001347830.2).
Identifiers: ClinVar variation 3627477 (VCV003627477.3).

ClinVar aggregate classification (germline): Benign/Likely benign. Review status: criteria provided, multiple submitters, no conflicts (2 of 4 stars). 2 submissions from 2 submitters: Benign (1); Likely benign (1). Last evaluated 2026-06-17.

Conditions:
Gastrointestinal stromal tumor. Also called: Gastrointestinal stromal tumor, somatic; Gastrointestinal stroma tumor. Identifiers: Orphanet 44890, MedGen C0238198, MeSH D046152, MONDO:0011719, OMIM 606764, HP:0100723.
Polyps, multiple and recurrent inflammatory fibroid, gastrointestinal. Identifiers: MedGen C5193005, MONDO:0008285, OMIM 175510.

Submissions (2):

Myriad Genetics, Inc.
Classification: Benign for Polyps, multiple and recurrent inflammatory fibroid, gastrointestinal. Last evaluated: 2026-06-17. Review status: criteria provided, single submitter. Criteria: Myriad Autosomal Dominant, Autosomal Recessive and X-Linked Classification Criteria (2023). Collection method: clinical testing. Allele origin: unknown.
Comment: This variant is considered benign. This variant is a silent/synonymous amino acid change and it is not expected to impact splicing.

Labcorp Genetics (formerly Invitae), Labcorp
Classification: Likely benign for Gastrointestinal stromal tumor. Last evaluated: 2024-10-26. Review status: criteria provided, single submitter. Criteria: Invitae Variant Classification Sherloc (09022015). Collection method: clinical testing. Allele origin: germline.